The following is an entry in ClinVar:

ClinVar aggregate classification (germline): Uncertain significance (1 of 4 stars; one submission).

Conditions:
Hereditary cancer-predisposing syndrome. Also called: Neoplastic Syndromes, Hereditary; Tumor predisposition; Hereditary Cancer Syndrome; Hereditary neoplastic syndrome. Identifiers: Orphanet 140162, MedGen C0027672, MeSH D009386, MONDO:0015356.

Allele frequency attached by ClinVar (database versions not stated): TOPMed below 0.00001; gnomAD 0.00001.
gnomAD v4.1: 2 of 1,613,484 alleles (0.00012%); highest among the groups gnomAD compares: African/African-American, 0.0013%; no homozygotes.

Submission:

Ambry Genetics
Classification: Uncertain significance for Hereditary cancer-predisposing syndrome. Last evaluated: 2018-05-11. Review status: criteria provided, single submitter. Criteria: Ambry Variant Classification Scheme 2023. Collection method: clinical testing. Allele origin: germline.
Comment: The p.D577G variant (also known as c.1730A>G), located in coding exon 11 of the NBN gene, results from an A to G substitution at nucleotide position 1730. The aspartic acid at codon 577 is replaced by glycine, an amino acid with similar properties. This amino acid position is poorly conserved in available vertebrate species. In addition, this alteration is predicted to be tolerated by in silico analysis. Since supporting evidence is limited at this time, the clinical significance of this alteration remains unclear.

NM_002485.5(NBN):c.1730A>G (p.Asp577Gly)

Gene: NBN (nibrin; minus strand). Cytogenetic location: 8q21.3.
Variant type: single nucleotide variant.
Coding change: c.1730A>G on transcript NM_002485.5 (MANE Select); coding-DNA position 1730, A replaced by G.
Protein change: p.Asp577Gly; replaces aspartic acid 577 with glycine.
Molecular consequence: missense variant.
Genome position (GRCh38, 1-based): chr8:89,953,359, T>C on the plus strand (A>G on the coding strand, the complement: NBN is on the minus strand). VCF-style: chr8-89953359-T-C. GRCh37 (hg19) VCF-style: chr8-90965587-T-C.
Other names: c.1484A>G, p.Asp495Gly (NM_001024688.3); short protein forms D577G, D495G.
Identifiers: ClinVar variation 819928 (VCV000819928.4), dbSNP rs1341969209, ClinGen allele CA371655222.